The following is an entry in ClinVar:

NM_000057.4(BLM):c.1420C>G (p.Leu474Val)

Gene: BLM (BLM RecQ like helicase; plus strand). Cytogenetic location: 15q26.1.
Variant type: single nucleotide variant.
Coding change: c.1420C>G on transcript NM_000057.4 (MANE Select); coding-DNA position 1420, C replaced by G.
Protein change: p.Leu474Val; replaces leucine 474 with valine.
Molecular consequence: missense variant.
Genome position (GRCh38, 1-based): chr15:90,760,793, C>G. VCF-style: chr15-90760793-C-G. GRCh37 (hg19) VCF-style: chr15-91304023-C-G.
Other names: c.1420C>G, p.Leu474Val (NM_001287246.2, NM_001287247.2); c.295C>G, p.Leu99Val (NM_001287248.2); short protein forms L474V, L99V.
Identifiers: ClinVar variation 3480778 (VCV003480778.1).
Genomic context (GRCh38, chr15:90,760,793, plus strand): 5'-AATTTTTCACACCTTCCCTCAAATTCTGTTTCTCCTGGGGACTGTTTACTGACTACCACC[C>G]TAGGAAAGACAGGATTCTCTGCCACCAGGAAGAATCTTTTTGAAAGGCCTTTATTCAATA-3'
Protein context (NP_000048.1, residues 464-484): SPGDCLLTTT[Leu474Val]GKTGFSATRK

ClinVar aggregate classification (germline): Uncertain significance (1 of 4 stars; one submission).

Conditions:
Hereditary cancer-predisposing syndrome. Also called: Tumor predisposition; Neoplastic Syndromes, Hereditary; Hereditary neoplastic syndrome; Hereditary Cancer Syndrome. Identifiers: Orphanet 140162, MedGen C0027672, MeSH D009386, MONDO:0015356.

Submission:

Ambry Genetics
Classification: Uncertain significance for Hereditary cancer-predisposing syndrome. Last evaluated: 2024-07-24. Review status: criteria provided, single submitter. Criteria: Ambry Variant Classification Scheme 2023. Collection method: clinical testing. Allele origin: germline.
Comment: The p.L474V variant (also known as c.1420C>G), located in coding exon 6 of the BLM gene, results from a C to G substitution at nucleotide position 1420. The leucine at codon 474 is replaced by valine, an amino acid with highly similar properties. This amino acid position is conserved. In addition, this alteration is predicted to be tolerated by in silico analysis. Based on the available evidence, the clinical significance of this variant remains unclear.